The following is an entry in ClinVar:

NM_001750.7(CAST):c.289C>T (p.Gln97Ter)

Gene: CAST (calpastatin; plus strand). Cytogenetic location: 5q15.
Variant type: single nucleotide variant.
Coding change: c.289C>T on transcript NM_001750.7 (MANE Select); coding-DNA position 289, C replaced by T.
Protein change: p.Gln97Ter; replaces glutamine 97 with a stop codon.
Molecular consequence: nonsense. On other transcripts: intron variant (21).
Genome position (GRCh38, 1-based): chr5:96,726,812, C>T. VCF-style: chr5-96726812-C-T. GRCh37 (hg19) VCF-style: chr5-96062516-C-T.
Other names: c.289C>T, p.Gln97Ter (NM_001042441.3, NM_001330626.2); c.40C>T, p.Gln14Ter (NM_001042443.3, NM_001190442.2, NM_001330631.2 and 5 more transcripts); c.244C>T, p.Gln82Ter (NM_001330629.2); c.22-677C>T (NM_001423254.1, NM_001423259.1, NM_001423253.1 and 13 more transcripts); c.271-677C>T (NM_001042442.3, NM_001042440.5, NM_001330627.2); c.226-677C>T (NM_001375317.1, NM_001330628.2); short protein forms Q14*, Q82*, Q97*.
Identifiers: ClinVar variation 3902045 (VCV003902045.1).
Genomic context (GRCh38, chr5:96,726,812, plus strand): 5'-AGATAAAATAAAATTATACCTGGGGCTGTGCTCTTATATTAGGCCATTCCAGTCAGCCAA[C>T]AGATGGAAGGACCACATCTTCCTAACAAGAAAAAACACAAAAAACAGGTGATGTTGTTCA-3'

ClinVar aggregate classification (germline): Likely pathogenic (1 of 4 stars; one submission).

Conditions:
Peeling skin-leukonuchia-acral punctate keratoses-cheilitis-knuckle pads syndrome. Also called: Peeling skin with leukonychia, acral punctate keratoses, cheilitis, and knuckle pads. Identifiers: Orphanet 444138, MedGen C4225381, MONDO:0014574, OMIM 616295.

gnomAD v4.1: 4 of 1,613,290 alleles (0.00025%); highest among the groups gnomAD compares: Non-Finnish European, 0.00034%; no homozygotes.

Submission:

Laboratorio de Genetica e Diagnostico Molecular, Hospital Israelita Albert Einstein
Classification: Likely pathogenic for Peeling skin-leukonuchia-acral punctate keratoses-cheilitis-knuckle pads syndrome. Last evaluated: 2024-08-08. Review status: criteria provided, single submitter. Criteria: ACMG Guidelines, 2015. Collection method: clinical testing. Allele origin: germline. Affected: yes.
Comment: ACMG classification criteria: PVS1 very strong, PM2 supporting